The following is an entry in ClinVar:

ClinVar aggregate classification (germline): Uncertain significance (1 of 4 stars; one submission).

Submission:

Labcorp Genetics (formerly Invitae), Labcorp
Classification: Uncertain significance. Last evaluated: 2022-08-08. Review status: criteria provided, single submitter. Criteria: Invitae Variant Classification Sherloc (09022015). Collection method: clinical testing. Allele origin: germline.
Comment: This sequence change falls in intron 3 of the TET2 gene. It does not directly change the encoded amino acid sequence of the TET2 protein. It affects a nucleotide within the consensus splice site. This variant is not present in population databases (gnomAD no frequency). This variant has not been reported in the literature in individuals affected with TET2-related conditions. Variants that disrupt the consensus splice site are a relatively common cause of aberrant splicing (PMID: 17576681, 9536098). Algorithms developed to predict the effect of sequence changes on RNA splicing suggest that this variant may disrupt the consensus splice site. In summary, the available evidence is currently insufficient to determine the role of this variant in disease. Therefore, it has been classified as a Variant of Uncertain Significance.

Literature cited by the submitters: PubMed 17576681; PubMed 9536098.

NM_001127208.3(TET2):c.3409+4dup

Genes: TET2 (tet methylcytosine dioxygenase 2; plus strand), TET2-AS1 (TET2 antisense RNA 1; minus strand). Cytogenetic location: 4q24.
Variant type: Duplication.
Coding change: c.3409+4dup on transcript NM_001127208.3 (MANE Select); 4 bases into the intron after coding-DNA position 3409, one base duplicated (A; older notation c.3409+4dupA).
Molecular consequence: intron variant. On other transcripts: frameshift variant (1).
Genome position (GRCh38, 1-based): chr4:105,237,355, A duplicated; the last of 2 consecutive A bases (chr4:105,237,354-105,237,355); duplicating either gives the same sequence. VCF-style (leftmost placement, unchanged base first): chr4-105237353-T-TA. GRCh37 (hg19) VCF-style: chr4-106158510-T-TA.
Other names: c.3413dup, p.Cys1139fs (NM_017628.4); short protein forms C1139fs.
Identifiers: ClinVar variation 2022544 (VCV002022544.4), dbSNP rs2476511331, ClinGen allele CA2580071290.
Genomic context (GRCh38, chr4:105,237,353, plus strand): 5'-AAATTTATTGGATACACCTGTCAAGACTCAATATGATTTCCCATCTTGCAGATGTGTAGG[T>TA]AAGTGCCAGAAATGTACTGAGACACATGGCGTTTATCCAGAATTAGCAAATTTATCTTCA-3'